The following is an entry in ClinVar:

NM_006035.4(CDC42BPB):c.954G>C (p.Gln318His)

Gene: CDC42BPB (CDC42 binding protein kinase beta; minus strand). Cytogenetic location: 14q32.32.
Variant type: single nucleotide variant.
Coding change: c.954G>C on transcript NM_006035.4 (MANE Select); coding-DNA position 954, G replaced by C.
Protein change: p.Gln318His; replaces glutamine 318 with histidine.
Molecular consequence: missense variant.
Genome position (GRCh38, 1-based): chr14:102,980,959, C>G on the plus strand (G>C on the coding strand, the complement: CDC42BPB is on the minus strand). VCF-style: chr14-102980959-C-G. GRCh37 (hg19) VCF-style: chr14-103447296-C-G.
Other names: c.954G>C, p.Gln318His (NM_001411054.1); short protein forms Q318H.
Identifiers: ClinVar variation 4690072 (VCV004690072.1).

ClinVar aggregate classification (germline): Uncertain significance (1 of 4 stars; one submission).

Submission:

GeneDx
Classification: Uncertain significance. Last evaluated: 2025-07-31. Review status: criteria provided, single submitter. Criteria: GeneDx Variant Classification Process June 2021. Collection method: clinical testing. Allele origin: germline. Affected: yes.
Comment: Not observed at significant frequency in large population cohorts (gnomAD); In silico analysis suggests that this missense variant does not alter protein structure/function; Has not been previously published as pathogenic or benign to our knowledge